The following is an entry in ClinVar:

ClinVar aggregate classification (germline): Uncertain significance (1 of 4 stars; one submission).

Submission:

GeneDx
Classification: Uncertain significance. Last evaluated: 2024-09-13. Review status: criteria provided, single submitter. Criteria: GeneDx Variant Classification Process June 2021. Collection method: clinical testing. Allele origin: germline. Affected: yes.
Comment: Not observed at significant frequency in large population cohorts (gnomAD); In silico analysis supports that this missense variant has a deleterious effect on protein structure/function; Has not been previously published as pathogenic or benign to our knowledge

NM_015215.4(CAMTA1):c.2785G>T (p.Asp929Tyr)

Gene: CAMTA1 (calmodulin binding transcription activator 1; plus strand). Cytogenetic location: 1p36.23.
Variant type: single nucleotide variant.
Coding change: c.2785G>T on transcript NM_015215.4 (MANE Select); coding-DNA position 2785, G replaced by T.
Protein change: p.Asp929Tyr; replaces aspartic acid 929 with tyrosine.
Molecular consequence: missense variant. On other transcripts: 5 prime UTR variant (6).
Genome position (GRCh38, 1-based): chr1:7,677,604, G>T. VCF-style: chr1-7677604-G-T. GRCh37 (hg19) VCF-style: chr1-7737664-G-T.
Other names: c.2695G>T, p.Asp899Tyr (NM_001349608.2, NM_001349612.2); c.2785G>T, p.Asp929Tyr (NM_001349609.2, NM_001349610.2, NM_001410737.1); c.-144G>T (NM_001349614.1, NM_001349617.1, NM_001349620.1 and 3 more transcripts); c.2713G>T, p.Asp905Tyr (NM_001410738.1); short protein forms D899Y, D905Y, D929Y.
Identifiers: ClinVar variation 3770064 (VCV003770064.1).
Genomic context (GRCh38, chr1:7,677,604, plus strand): 5'-CCAGGCTGTAGGTACCCACCCATCCCTTGACCTGGTCTTTTTCTCTCGCTTTCAGCCCAT[G>T]ACACTGGTCTTGTGACCCTACAAGTTGCCTTCAACAACCAGATCATCTCCAACTCGGTGG-3'
Protein context (NP_056030.1, residues 919-939): GVLRCYCPAH[Asp929Tyr]TGLVTLQVAF